The following is an entry in ClinVar:

ClinVar aggregate classification (germline): Uncertain significance (1 of 4 stars; one submission).

Allele frequency attached by ClinVar (database versions not stated): gnomAD 0.00001; gnomAD exomes 0.00005; ExAC 0.00011.

Submission:

Labcorp Genetics (formerly Invitae), Labcorp
Classification: Uncertain significance. Last evaluated: 2026-01-25. Review status: criteria provided, single submitter. Criteria: Invitae Variant Classification Sherloc (09022015). Collection method: clinical testing. Allele origin: germline.
Comment: This sequence change replaces tyrosine, which is neutral and polar, with histidine, which is basic and polar, at codon 224 of the RFWD3 protein (p.Tyr224His). This variant is present in population databases (rs771949895, gnomAD 0.09%), and has an allele count higher than expected for a pathogenic variant. This variant has not been reported in the literature in individuals affected with RFWD3-related conditions. ClinVar contains an entry for this variant (Variation ID: 2158540). An algorithm developed to predict the effect of missense changes on protein structure and function outputs the following: PolyPhen-2: "Benign". The histidine amino acid residue is found in multiple mammalian species, which suggests that this missense change does not adversely affect protein function. In summary, the available evidence is currently insufficient to determine the role of this variant in disease. Therefore, it has been classified as a Variant of Uncertain Significance.

NM_018124.4(RFWD3):c.670T>C (p.Tyr224His)

Gene: RFWD3 (ring finger and WD repeat domain 3; minus strand). Cytogenetic location: 16q23.1.
Variant type: single nucleotide variant.
Coding change: c.670T>C on transcript NM_018124.4 (MANE Select); coding-DNA position 670, T replaced by C.
Protein change: p.Tyr224His; replaces tyrosine 224 with histidine.
Molecular consequence: missense variant. On other transcripts: 5 prime UTR variant (4), intron variant (1).
Genome position (GRCh38, 1-based): chr16:74,651,971, A>G on the plus strand (T>C on the coding strand, the complement: RFWD3 is on the minus strand). VCF-style: chr16-74651971-A-G. GRCh37 (hg19) VCF-style: chr16-74685869-A-G.
Other names: c.670T>C, p.Tyr224His (NM_001370534.1, NM_001370535.1, NM_001370536.1); c.-339T>C (NM_001370537.1); c.-165T>C (NM_001370540.1); c.-216T>C (NM_001370542.1); c.-94T>C (NM_001370543.1); c.-113-2769T>C (NM_001370539.1); short protein forms Y224H.
Identifiers: ClinVar variation 2158540 (VCV002158540.4), dbSNP rs771949895, ClinGen allele CA8169495.